The following is an entry in ClinVar:

ClinVar aggregate classification (germline): Uncertain significance (1 of 4 stars; one submission).

Conditions:
Epidermolysis bullosa simplex with nail dystrophy (EBS5D). Identifiers: MedGen C4225309, MONDO:0014661, OMIM 616487.
Epidermolysis bullosa simplex, Ogna type (EBS5A). Also called: Pidermolysis bullosa simplex 5A, Ogna type; EPIDERMOLYSIS BULLOSA SIMPLEX 5A, OGNA TYPE. Identifiers: Orphanet 79401, MedGen C0432317, MONDO:0007555, OMIM 131950.
Epidermolysis bullosa simplex 5B, with muscular dystrophy (EBS5B). Also called: Epidermolysis bullosa simplex with muscular dystrophy; EPIDERMOLYSIS BULLOSA SIMPLEX AND LIMB-GIRDLE MUSCULAR DYSTROPHY. Identifiers: Orphanet 257, MedGen C2931072, MONDO:0009181, OMIM 226670.
Autosomal recessive limb-girdle muscular dystrophy type 2Q (LGMDR17). Also called: MUSCULAR DYSTROPHY, LIMB-GIRDLE, AUTOSOMAL RECESSIVE 17. Identifiers: Orphanet 254361, MedGen C3150989, MONDO:0013390, OMIM 613723.
Epidermolysis bullosa simplex 5C, with pyloric atresia (EBS5C). Also called: PLEC-Related Epidermolysis Bullosa with Pyloric Atresia; Epidermolysis bullosa simplex with pyloric atresia; PLEC1-Related Epidermolysis Bullosa with Pyloric Atresia. Identifiers: Orphanet 158684, MedGen C2677349, MONDO:0012807, OMIM 612138.

gnomAD v4.1: 1 of 1,611,710 alleles (0.000062%); highest among the groups gnomAD compares: South Asian, 0.0011%; no homozygotes.

Submission:

Labcorp Genetics (formerly Invitae), Labcorp
Classification: Uncertain significance for Autosomal recessive limb-girdle muscular dystrophy type 2Q; Epidermolysis bullosa simplex, Ogna type; Epidermolysis bullosa simplex with nail dystrophy; Epidermolysis bullosa simplex 5C, with pyloric atresia; Epidermolysis bullosa simplex 5B, with muscular dystrophy. Last evaluated: 2025-03-31. Review status: criteria provided, single submitter. Criteria: Invitae Variant Classification Sherloc (09022015). Collection method: clinical testing. Allele origin: germline.
Comment: This sequence change replaces leucine, which is neutral and non-polar, with proline, which is neutral and non-polar, at codon 4491 of the PLEC protein (p.Leu4491Pro). This variant is present in population databases (no rsID available, gnomAD 0.003%). This variant has not been reported in the literature in individuals affected with PLEC-related conditions. Invitae Evidence Modeling of protein sequence and biophysical properties (such as structural, functional, and spatial information, amino acid conservation, physicochemical variation, residue mobility, and thermodynamic stability) indicates that this missense variant is not expected to disrupt PLEC protein function with a negative predictive value of 80%. In summary, the available evidence is currently insufficient to determine the role of this variant in disease. Therefore, it has been classified as a Variant of Uncertain Significance.

NM_201384.3(PLEC):c.13391T>C (p.Leu4464Pro)

Gene: PLEC (plectin; minus strand). Cytogenetic location: 8q24.3.
Variant type: single nucleotide variant.
Coding change: c.13391T>C on transcript NM_201384.3 (MANE Select); coding-DNA position 13391, T replaced by C.
Protein change: p.Leu4464Pro; replaces leucine 4464 with proline.
Molecular consequence: missense variant.
Genome position (GRCh38, 1-based): chr8:143,916,430, A>G on the plus strand (T>C on the coding strand, the complement: PLEC is on the minus strand). VCF-style: chr8-143916430-A-G. GRCh37 (hg19) VCF-style: chr8-144990598-A-G.
Other names: c.13472T>C, p.Leu4491Pro (NM_000445.5); c.10091T>C, p.Leu3364Pro (NM_001410941.1); c.13349T>C, p.Leu4450Pro (NM_201378.4); c.13325T>C, p.Leu4442Pro (NM_201379.3); c.13802T>C, p.Leu4601Pro (NM_201380.4); c.13295T>C, p.Leu4432Pro (NM_201381.3); c.13391T>C, p.Leu4464Pro (NM_201382.4); c.13403T>C, p.Leu4468Pro (NM_201383.3); short protein forms L4464P, L4491P, L4468P, L4601P, L3364P, L4432P, L4442P, L4450P.
Identifiers: ClinVar variation 4782786 (VCV004782786.1).